The following is an entry in ClinVar:

ClinVar aggregate classification (germline): Uncertain significance (1 of 4 stars; one submission).

Allele frequency attached by ClinVar (database versions not stated): gnomAD exomes below 0.00001.
gnomAD v4.1: 2 of 1,613,674 alleles (0.00012%); highest among the groups gnomAD compares: Non-Finnish European, 0.00017%; no homozygotes.

Submission:

Labcorp Genetics (formerly Invitae), Labcorp
Classification: Uncertain significance. Last evaluated: 2024-01-01. Review status: criteria provided, single submitter. Criteria: Invitae Variant Classification Sherloc (09022015). Collection method: clinical testing. Allele origin: germline.
Comment: This sequence change affects codon 110 of the MAPKAPK3 mRNA. It is a 'silent' change, meaning that it does not change the encoded amino acid sequence of the MAPKAPK3 protein. This variant is not present in population databases (gnomAD no frequency). This variant has not been reported in the literature in individuals affected with MAPKAPK3-related conditions. Algorithms developed to predict the effect of sequence changes on RNA splicing suggest that this variant may disrupt the consensus splice site. In summary, the available evidence is currently insufficient to determine the role of this variant in disease. Therefore, it has been classified as a Variant of Uncertain Significance.

NM_001243925.2(MAPKAPK3):c.330C>T (p.Gly110=)

Gene: MAPKAPK3 (MAPK activated protein kinase 3; plus strand). Cytogenetic location: 3p21.2.
Variant type: single nucleotide variant.
Coding change: c.330C>T on transcript NM_001243925.2 (MANE Select); coding-DNA position 330, C replaced by T.
Protein change: p.Gly110=; no amino-acid change (glycine 110 retained).
Molecular consequence: synonymous variant.
Genome position (GRCh38, 1-based): chr3:50,640,476, C>T. VCF-style: chr3-50640476-C-T. GRCh37 (hg19) VCF-style: chr3-50677907-C-T.
Other names: c.330C>T, p.Gly110= (NM_001243926.2, NM_004635.5).
Identifiers: ClinVar variation 2993421 (VCV002993421.3), dbSNP rs2471697601, ClinGen allele CA433709039.